The following is an entry in ClinVar:

NM_020964.3(EPG5):c.3220T>C (p.Tyr1074His)

Gene: EPG5 (ectopic P-granules 5 autophagy tethering factor; minus strand). Cytogenetic location: 18q21.1.
Variant type: single nucleotide variant.
Coding change: c.3220T>C on transcript NM_020964.3 (MANE Select); coding-DNA position 3220, T replaced by C.
Protein change: p.Tyr1074His; replaces tyrosine 1074 with histidine.
Molecular consequence: missense variant.
Genome position (GRCh38, 1-based): chr18:45,917,698, A>G on the plus strand (T>C on the coding strand, the complement: EPG5 is on the minus strand). VCF-style: chr18-45917698-A-G. GRCh37 (hg19) VCF-style: chr18-43497663-A-G.
Other names: c.3220T>C (NM_020964.2); short protein forms Y1074H.
Identifiers: ClinVar variation 1430551 (VCV001430551.7), dbSNP rs369286199, ClinGen allele CA299765710.

ClinVar aggregate classification (germline): Uncertain significance. Review status: criteria provided, multiple submitters, no conflicts (2 of 4 stars). 2 submissions from 2 submitters: Uncertain significance (2). Last evaluated 2022-08-09.

Conditions:
Inborn genetic diseases. Identifiers: MedGen C0950123, MeSH D030342.
Vici syndrome (VICIS). Identifiers: Orphanet 1493, MedGen C1855772, MONDO:0009452, OMIM 242840.

Allele frequency attached by ClinVar (database versions not stated): TOPMed below 0.00001; gnomAD 0.00001; gnomAD exomes 0.00001; ESP Exome Variant Server 0.00008.
gnomAD v4.1: 22 of 1,614,016 alleles (0.0014%); highest among the groups gnomAD compares: Non-Finnish European, 0.0019%; no homozygotes.

Submissions (2):

Labcorp Genetics (formerly Invitae), Labcorp
Classification: Uncertain significance for Vici syndrome. Last evaluated: 2022-08-09. Review status: criteria provided, single submitter. Criteria: Invitae Variant Classification Sherloc (09022015). Collection method: clinical testing. Allele origin: germline.
Comment: This sequence change replaces tyrosine, which is neutral and polar, with histidine, which is basic and polar, at codon 1074 of the EPG5 protein (p.Tyr1074His). This variant is present in population databases (rs369286199, gnomAD 0.002%). This variant has not been reported in the literature in individuals affected with EPG5-related conditions. ClinVar contains an entry for this variant (Variation ID: 1430551). Algorithms developed to predict the effect of missense changes on protein structure and function are either unavailable or do not agree on the potential impact of this missense change (SIFT: "Tolerated"; PolyPhen-2: "Probably Damaging"; Align-GVGD: "Class C0"). In summary, the available evidence is currently insufficient to determine the role of this variant in disease. Therefore, it has been classified as a Variant of Uncertain Significance.

Ambry Genetics
Classification: Uncertain significance for Inborn genetic diseases. Last evaluated: 2021-09-14. Review status: criteria provided, single submitter. Criteria: Ambry Variant Classification Scheme 2023. Collection method: clinical testing. Allele origin: germline.